The following is an entry in ClinVar:

ClinVar aggregate classification (germline): Conflicting classifications of pathogenicity. Review status: criteria provided, conflicting classifications (1 of 4 stars). 4 submissions from 4 submitters: Uncertain significance (2); Benign (1); Likely benign (1). Last evaluated 2025-08-20.

Conditions:
Occult macular dystrophy (OCMD). Also called: OCCULT MACULAR DYSTROPHY, SUSCEPTIBILITY TO; OMD. Identifiers: Orphanet 247834, MedGen C3150833, MONDO:0013316, OMIM 613587, HP:0030636.
RP1L1-related disorder. Also called: RP1L1-related condition.
Retinal dystrophy. Also called: Inherited retinal dystrophy. Identifiers: Orphanet 71862, MedGen C0854723, MeSH D058499, MONDO:0019118, HP:0000556.

Allele frequency attached by ClinVar (database versions not stated): gnomAD 0.00003; gnomAD exomes 0.00003; TOPMed 0.00003; ExAC 0.00004.

Submissions (4):

PreventionGenetics, part of Exact Sciences
Classification: Uncertain significance for RP1L1-related condition. Last evaluated: 2025-08-20. Review status: criteria provided, single submitter. Criteria: ACMG Guidelines, 2015. Collection method: clinical testing. Allele origin: germline.
Comment: The RP1L1 c.940C>T variant is predicted to result in the amino acid substitution p.Arg314Cys. To our knowledge, this variant has not been reported in the literature. This variant is reported in 0.017% of alleles in individuals of East Asian descent in gnomAD. At this time, the clinical significance of this variant is uncertain due to the absence of conclusive functional and genetic evidence.

Blueprint Genetics
Classification: Uncertain significance. Last evaluated: 2024-08-30. Review status: criteria provided, single submitter. Criteria: ACMG Guidelines, 2015. Collection method: clinical testing. Allele origin: germline.

Dept Of Ophthalmology, Nagoya University
Classification: Likely benign for Retinal dystrophy. Last evaluated: 2023-10-01. Review status: criteria provided, single submitter. Criteria: Submitter's publication. Collection method: research. Allele origin: germline. Affected: yes.

Illumina Laboratory Services, Illumina
Classification: Benign for Occult macular dystrophy. Last evaluated: 2018-01-13. Review status: criteria provided, single submitter. Criteria: ICSL Variant Classification Criteria 13 December 2019. Collection method: clinical testing. Allele origin: germline.
Comment: This variant was observed in the ICSL laboratory as part of a predisposition screen in an ostensibly healthy population. It had not been previously curated by ICSL or reported in the Human Gene Mutation Database (HGMD: prior to June 1st, 2018), and was therefore a candidate for classification through an automated scoring system. Utilizing variant allele frequency, disease prevalence and penetrance estimates, and inheritance mode, an automated score was calculated to assess if this variant is too frequent to cause the disease. Based on the score and internal cut-off values, a variant classified as benign is not then subjected to further curation. The score for this variant resulted in a classification of benign for this disease.

NM_178857.6(RP1L1):c.940C>T (p.Arg314Cys)

Gene: RP1L1 (RP1 like 1). Cytogenetic location: 8p23.1.
Variant type: single nucleotide variant.
Coding change: c.940C>T on transcript NM_178857.6 (MANE Select); coding-DNA position 940, C replaced by T.
Protein change: p.Arg314Cys; replaces arginine 314 with cysteine.
Molecular consequence: missense variant.
Genome position (GRCh38, 1-based): chr8:10,613,158, G>A on the plus strand (C>T on the coding strand, the complement: RP1L1 is on the minus strand). VCF-style: chr8-10613158-G-A. GRCh37 (hg19) VCF-style: chr8-10470668-G-A.
Other names: short protein forms R314C.
Identifiers: ClinVar variation 361390 (VCV000361390.8), dbSNP rs777582995, ClinGen allele CA4625382.